The following is an entry in ClinVar:

NM_004369.4(COL6A3):c.6309+4T>G

Genes: COL6A3 (collagen type VI alpha 3 chain; minus strand), LOC122889011 (Sharpr-MPRA regulatory region 1020; plus strand). Cytogenetic location: 2q37.3.
Variant type: single nucleotide variant.
Coding change: c.6309+4T>G on transcript NM_004369.4 (MANE Select); 4 bases into the intron after coding-DNA position 6309, T replaced by G.
Molecular consequence: intron variant.
Genome position (GRCh38, 1-based): chr2:237,359,358, A>C on the plus strand (T>G on the coding strand, the complement: COL6A3 is on the minus strand). VCF-style: chr2-237359358-A-C. GRCh37 (hg19) VCF-style: chr2-238268001-A-C.
Other names: c.4488+4T>G (NM_057166.5); c.5691+4T>G (NM_057167.4).
Identifiers: ClinVar variation 1415191 (VCV001415191.6), dbSNP rs1421626951, ClinGen allele CA540463736.
Genomic context (GRCh38, chr2:237,359,358, plus strand): 5'-AAAGGAAGAAATGAGAAATACTGGGAGAGTTTTCCATTTGTAAAACAAAACCAAGCTTGC[A>C]TACCTTCTCTCCTGGGAATCCCCGAGAGCCCTAGAAGGCAAGGCGATAGGGGAAGCATTA-3'

ClinVar aggregate classification (germline): Uncertain significance (1 of 4 stars; one submission).

Conditions:
Bethlem myopathy 1A. Also called: MYOPATHY, BENIGN CONGENITAL, WITH CONTRACTURES; Bethlem Muscular Dystrophy; Bethlem myopathy 1. Identifiers: Orphanet 610, MedGen CN029274, MONDO:0024530, OMIM 158810.

Allele frequency attached by ClinVar (database versions not stated): gnomAD 0.00001; gnomAD exomes 0.00001; TOPMed 0.00001.
gnomAD v4.1: 6 of 1,613,982 alleles (0.00037%); highest among the groups gnomAD compares: Admixed American, 0.0067%; no homozygotes.

Submission:

Labcorp Genetics (formerly Invitae), Labcorp
Classification: Uncertain significance for Bethlem myopathy 1A. Last evaluated: 2022-06-29. Review status: criteria provided, single submitter. Criteria: Invitae Variant Classification Sherloc (09022015). Collection method: clinical testing. Allele origin: germline.
Comment: This sequence change falls in intron 18 of the COL6A3 gene. It does not directly change the encoded amino acid sequence of the COL6A3 protein. It affects a nucleotide within the consensus splice site. This variant is present in population databases (no rsID available, gnomAD 0.006%). This variant has not been reported in the literature in individuals affected with COL6A3-related conditions. Variants that disrupt the consensus splice site are a relatively common cause of aberrant splicing (PMID: 17576681, 9536098). Algorithms developed to predict the effect of sequence changes on RNA splicing suggest that this variant is not likely to affect RNA splicing. In summary, the available evidence is currently insufficient to determine the role of this variant in disease. Therefore, it has been classified as a Variant of Uncertain Significance.

Literature cited by the submitters: PubMed 17576681; PubMed 9536098.